The following is an entry in ClinVar:

NM_032578.4(MYPN):c.2182C>T (p.Pro728Ser)

Gene: MYPN (myopalladin; plus strand). Cytogenetic location: 10q21.3.
Variant type: single nucleotide variant.
Coding change: c.2182C>T on transcript NM_032578.4 (MANE Select); coding-DNA position 2182, C replaced by T.
Protein change: p.Pro728Ser; replaces proline 728 with serine.
Molecular consequence: missense variant. On other transcripts: non-coding transcript variant (2).
Genome position (GRCh38, 1-based): chr10:68,174,274, C>T. VCF-style: chr10-68174274-C-T. GRCh37 (hg19) VCF-style: chr10-69934031-C-T.
Other names: c.2182C>T, p.Pro728Ser (NM_001256267.2); c.1300C>T, p.Pro434Ser (NM_001256268.2); short protein forms P434S, P728S.
Identifiers: ClinVar variation 2563985 (VCV002563985.2), dbSNP rs2495793129, ClinGen allele CA376845172.

ClinVar aggregate classification (germline): Uncertain significance (1 of 4 stars; one submission).

Conditions:
Cardiovascular phenotype. Identifiers: MedGen CN230736.

Submission:

Ambry Genetics
Classification: Uncertain significance for Cardiovascular phenotype. Last evaluated: 2023-06-11. Review status: criteria provided, single submitter. Criteria: Ambry Variant Classification Scheme 2023. Collection method: clinical testing. Allele origin: germline.
Comment: The p.P728S variant (also known as c.2182C>T), located in coding exon 10 of the MYPN gene, results from a C to T substitution at nucleotide position 2182. The proline at codon 728 is replaced by serine, an amino acid with similar properties. This amino acid position is conserved. In addition, this alteration is predicted to be tolerated by in silico analysis. Since supporting evidence is limited at this time, the clinical significance of this alteration remains unclear.